The following is an entry in ClinVar:

NM_005993.5(TBCD):c.370C>T (p.His124Tyr)

Gene: TBCD (tubulin folding cofactor D). Cytogenetic location: 17q25.3.
Variant type: single nucleotide variant.
Coding change: c.370C>T on transcript NM_005993.5 (MANE Select); coding-DNA position 370, C replaced by T.
Protein change: p.His124Tyr; replaces histidine 124 with tyrosine.
Molecular consequence: missense variant.
Genome position (GRCh38, 1-based): chr17:82,766,303, C>T. VCF-style: chr17-82766303-C-T. GRCh37 (hg19) VCF-style: chr17-80724179-C-T.
Other names: c.319C>T, p.His107Tyr (NM_001411101.1); c.370C>T, p.His124Tyr (NM_001411102.1); short protein forms H124Y, H107Y.
Identifiers: ClinVar variation 1924137 (VCV001924137.2), dbSNP rs1200519595, ClinGen allele CA401627330.

ClinVar aggregate classification (germline): Uncertain significance (1 of 4 stars; one submission).

Allele frequency attached by ClinVar (database versions not stated): gnomAD exomes 0.00001.
gnomAD v4.1: 7 of 1,613,206 alleles (0.00043%); highest among the groups gnomAD compares: East Asian, 0.011%; no homozygotes.

Submission:

Labcorp Genetics (formerly Invitae), Labcorp
Classification: Uncertain significance. Last evaluated: 2022-07-26. Review status: criteria provided, single submitter. Criteria: Invitae Variant Classification Sherloc (09022015). Collection method: clinical testing. Allele origin: germline.
Comment: This sequence change replaces histidine, which is basic and polar, with tyrosine, which is neutral and polar, at codon 124 of the TBCD protein (p.His124Tyr). This variant is present in population databases (no rsID available, gnomAD 0.01%). This variant has not been reported in the literature in individuals affected with TBCD-related conditions. Algorithms developed to predict the effect of missense changes on protein structure and function are either unavailable or do not agree on the potential impact of this missense change (SIFT: "Deleterious"; PolyPhen-2: "Probably Damaging"; Align-GVGD: "Class C0"). In summary, the available evidence is currently insufficient to determine the role of this variant in disease. Therefore, it has been classified as a Variant of Uncertain Significance.